The following is an entry in ClinVar:

NM_020461.4(TUBGCP6):c.1851C>T (p.Ser617=)

Gene: TUBGCP6 (tubulin gamma complex component 6; minus strand). Cytogenetic location: 22q13.33.
Variant type: single nucleotide variant.
Coding change: c.1851C>T on transcript NM_020461.4 (MANE Select); coding-DNA position 1851, C replaced by T.
Protein change: p.Ser617=; no amino-acid change (serine 617 retained).
Molecular consequence: synonymous variant.
Genome position (GRCh38, 1-based): chr22:50,225,926, G>A on the plus strand (C>T on the coding strand, the complement: TUBGCP6 is on the minus strand). VCF-style: chr22-50225926-G-A. GRCh37 (hg19) VCF-style: chr22-50664355-G-A.
Identifiers: ClinVar variation 745204 (VCV000745204.12), dbSNP rs375913178, ClinGen allele CA10308479.

ClinVar aggregate classification (germline): Conflicting classifications of pathogenicity. Review status: criteria provided, conflicting classifications (1 of 4 stars). 3 submissions from 3 submitters: Uncertain significance (1); Likely benign (2). Last evaluated 2026-01-05.

Allele frequency attached by ClinVar (database versions not stated): gnomAD exomes 0.00003; ExAC 0.00004; gnomAD 0.00005 and 0.00006; TOPMed 0.00005; ESP Exome Variant Server 0.00008.
gnomAD v4.1: 47 of 1,613,390 alleles (0.0029%); highest among the groups gnomAD compares: Admixed American, 0.022%; no homozygotes.

Submissions (3):

Labcorp Genetics (formerly Invitae), Labcorp
Classification: Likely benign. Last evaluated: 2026-01-05. Review status: criteria provided, single submitter. Criteria: Invitae Variant Classification Sherloc (09022015). Collection method: clinical testing. Allele origin: germline.

Blueprint Genetics
Classification: Likely benign. Last evaluated: 2024-11-05. Review status: criteria provided, single submitter. Criteria: ACMG Guidelines, 2015. Collection method: clinical testing. Allele origin: germline.

GeneDx
Classification: Uncertain significance. Last evaluated: 2022-06-09. Review status: criteria provided, single submitter. Criteria: GeneDx Variant Classification Process June 2021. Collection method: clinical testing. Allele origin: germline. Affected: yes.
Comment: Not observed at significant frequency in large population cohorts (gnomAD); Has not been previously published as pathogenic or benign to our knowledge; In silico analysis, which includes splice predictors and evolutionary conservation, suggests this variant may impact gene splicing. In the absence of RNA/functional studies, the actual effect of this sequence change is unknown.